The following is an entry in ClinVar:

NM_005732.4(RAD50):c.1114_1246-213dup

Gene: RAD50 (RAD50 double strand break repair protein; plus strand). Cytogenetic location: 5q31.1.
Variant type: Duplication.
Coding change: c.1114_1246-213dup on transcript NM_005732.4 (MANE Select); coding-DNA position 1114 through 213 bases into the intron before coding-DNA position 1246, 670 bases duplicated.
Molecular consequence: splice donor variant.
Genome position (GRCh38, 1-based): chr5:132,588,749-132,589,418, 670 bases duplicated. GRCh37 (hg19): chr5:131,924,441-131,925,110.
Identifiers: ClinVar variation 3680168 (VCV003680168.2).

ClinVar aggregate classification (germline): Uncertain significance (1 of 4 stars; one submission).

Conditions:
Hereditary cancer-predisposing syndrome. Also called: Neoplastic Syndromes, Hereditary; Tumor predisposition; Hereditary Cancer Syndrome; Hereditary neoplastic syndrome. Identifiers: Orphanet 140162, MedGen C0027672, MeSH D009386, MONDO:0015356.

Submission:

Labcorp Genetics (formerly Invitae), Labcorp
Classification: Uncertain significance for Hereditary cancer-predisposing syndrome. Last evaluated: 2025-12-30. Review status: criteria provided, single submitter. Criteria: Invitae Variant Classification Sherloc (09022015). Collection method: clinical testing. Allele origin: germline.
Comment: This sequence change falls in intron 8 of the RAD50 gene. It does not directly change the encoded amino acid sequence of the RAD50 protein. This variant is not present in population databases (gnomAD no frequency). This variant has not been reported in the literature in individuals affected with RAD50-related conditions. Experimental studies and prediction algorithms are not available or were not evaluated, and the effect of this variant on mRNA splicing is currently unknown. In summary, the available evidence is currently insufficient to determine the role of this variant in disease. Therefore, it has been classified as a Variant of Uncertain Significance.